The following is an entry in ClinVar:

NM_000492.3(CFTR):c.744-?_1584+?dup

Gene: CFTR (CF transmembrane conductance regulator; plus strand).
Variant type: Duplication.
Coding change: c.744-?_1584+?dup on transcript NM_000492.3.
Other names: c.744-?_1584+?dup (LRG_663t1).
Identifiers: ClinVar variation 254073 (VCV000254073.1).

ClinVar aggregate classification (germline): Pathogenic (1 of 4 stars; one submission).

Conditions:
Cystic fibrosis (CF). Also called: MUCOVISCIDOSIS. Identifiers: Orphanet 586, MedGen C0010674, MONDO:0009061, OMIM 219700. Disease mechanism: loss of function.

Submission:

Labcorp Genetics (formerly Invitae), Labcorp
Classification: Pathogenic for Cystic fibrosis. Last evaluated: 2016-02-18. Review status: criteria provided, single submitter. Criteria: Invitae Variant Classification Sherloc (09022015). Collection method: clinical testing. Allele origin: germline.
Comment: This variant is a gross duplication of the genomic region encompassing exons 7-11 of the CFTR gene. While the exact position of the duplicated exons cannot be determined from this data, the duplicated copy of this region is likely in tandem and may result in an absent or disrupted protein product. Duplications of exons 7-11 (aka 6b-10) have been reported in several individuals affected with cystic fibrosis (PMID: 20052766, 17690208). ClinVar contains an entry for this variant (Variation ID: 209053). For these reasons, this variant has been classified as Pathogenic.